The following is an entry in ClinVar:

NM_022893.4(BCL11A):c.1015A>G (p.Met339Val)

Gene: BCL11A (BCL11 transcription factor A; minus strand). Cytogenetic location: 2p16.1.
Variant type: single nucleotide variant.
Coding change: c.1015A>G on transcript NM_022893.4 (MANE Select); coding-DNA position 1015, A replaced by G.
Protein change: p.Met339Val; replaces methionine 339 with valine.
Molecular consequence: missense variant. On other transcripts: intron variant (9).
Genome position (GRCh38, 1-based): chr2:60,461,897, T>C on the plus strand (A>G on the coding strand, the complement: BCL11A is on the minus strand). VCF-style: chr2-60461897-T-C. GRCh37 (hg19) VCF-style: chr2-60689032-T-C.
Other names: c.913A>G, p.Met305Val (NM_001363864.1, NM_001365609.1, NM_001405711.1 and 2 more transcripts); c.1015A>G, p.Met339Val (NM_001405708.1, NM_001405709.1, NM_001405710.1 and 1 more transcripts); c.859A>G, p.Met287Val (NM_001405713.1, NM_001405714.1, NM_001405715.1 and 3 more transcripts); c.757A>G, p.Met253Val (NM_001405717.1, NM_001405718.1, NM_001405724.1); c.682A>G, p.Met228Val (NM_001405720.1, NM_001405721.1); c.559A>G, p.Met187Val (NM_001405725.1, NM_001405726.1, NM_001405727.1 and 1 more transcripts); c.630+385A>G (NM_138559.2, NM_001405732.1); c.528+385A>G (NM_001405733.1); and 5 more; short protein forms M187V, M228V, M253V, M287V, M305V, M339V.
Identifiers: ClinVar variation 2628982 (VCV002628982.1), dbSNP rs1225886726, ClinGen allele CA347038955.
Genomic context (GRCh38, chr2:60,461,897, plus strand): 5'-GGGGCGTCGCCAGGAAGGGCGGCTTGCTACCTGGCTGGAATGGTTGCAGTAACCTTTGCA[T>C]AGGGCTGGGCCGGCCTGGGGACAGCGGTGGGCTAGACGTGTTCCCTGCCAGCTCTCTAAG-3'
Protein context (NP_075044.2, residues 329-349): PPLSPGRPSP[Met339Val]QRLLQPFQPG

ClinVar aggregate classification (germline): Uncertain significance (1 of 4 stars; one submission).

Conditions:
BCL11A-related disorder. Also called: BCL11A-related condition.

Allele frequency attached by ClinVar (database versions not stated): gnomAD exomes 0.00002.
gnomAD v4.1: 31 of 1,614,114 alleles (0.0019%); highest among the groups gnomAD compares: Non-Finnish European, 0.0025%; no homozygotes.

Submission:

PreventionGenetics, part of Exact Sciences
Classification: Uncertain significance for BCL11A-related condition. Last evaluated: 2023-03-02. Review status: criteria provided, single submitter. Criteria: ACMG Guidelines, 2015. Collection method: clinical testing. Allele origin: germline.
Comment: The BCL11A c.1015A>G variant is predicted to result in the amino acid substitution p.Met339Val. To our knowledge, this variant has not been reported in the literature. This variant is reported in 0.00088% of alleles in individuals of European (Non-Finnish) descent in gnomAD. At this time, the clinical significance of this variant is uncertain due to the absence of conclusive functional and genetic evidence.